The following is an entry in ClinVar:

NC_000005.9:g.(?_131911459)_(131915768_?)dup

Gene: RAD50 (RAD50 double strand break repair protein; plus strand). Cytogenetic location: 5q31.1.
Variant type: Duplication.
Identifiers: ClinVar variation 1023289 (VCV001023289.5).

ClinVar aggregate classification (germline): Uncertain significance (1 of 4 stars; one submission).

Conditions:
Hereditary cancer-predisposing syndrome. Also called: Hereditary Cancer Syndrome; Neoplastic Syndromes, Hereditary; Tumor predisposition; Hereditary neoplastic syndrome. Identifiers: Orphanet 140162, MedGen C0027672, MeSH D009386, MONDO:0015356.

Submission:

Labcorp Genetics (formerly Invitae), Labcorp
Classification: Uncertain significance for Hereditary cancer-predisposing syndrome. Last evaluated: 2020-08-29. Review status: criteria provided, single submitter. Criteria: Invitae Variant Classification Sherloc (09022015). Collection method: clinical testing. Allele origin: germline.
Comment: In summary, the available evidence is currently insufficient to determine the role of this variant in disease. Therefore, it has been classified as a Variant of Uncertain Significance. Experimental studies and prediction algorithms are not available or were not evaluated, and the functional significance of this variant is currently unknown. This variant has not been reported in the literature in individuals with RAD50-related conditions. This variant results in a copy number gain of the genomic region encompassing exon(s) 3-5 of the RAD50 gene. While the exact position of this variant cannot be determined from the data, sub-genic copy number gains are generally in tandem (PMID: 25640679). This variant is predicted to be in-frame, and likely preserves the integrity of the reading frame.

Literature cited by the submitters: PubMed 25640679.